The following is an entry in ClinVar:

NM_144643.4(SCLT1):c.660_661insT (p.Ile221fs)

Gene: SCLT1 (sodium channel and clathrin linker 1; minus strand). Cytogenetic location: 4q28.2.
Variant type: Insertion.
Coding change: c.660_661insT on transcript NM_144643.4 (MANE Select); coding-DNA positions 660 to 661, T inserted.
Protein change: p.Ile221fs; shifts the reading frame from isoleucine 221.
Molecular consequence: frameshift variant.
Genome position: GRCh38 VCF-style: chr4-128992192-T-TA. GRCh37 (hg19) VCF-style: chr4-129913347-T-TA.
Other names: short protein forms I221fs.
Identifiers: ClinVar variation 1358401 (VCV001358401.7), dbSNP rs764905638, ClinGen allele CA3079859.

ClinVar aggregate classification (germline): Pathogenic/Likely pathogenic. Review status: criteria provided, multiple submitters, no conflicts (2 of 4 stars). 2 submissions from 2 submitters: Pathogenic (1); Likely pathogenic (1). Last evaluated 2025-09-08.

Conditions:
SCLT1-related disorder. Also called: SCLT1-related condition.

Allele frequency attached by ClinVar (database versions not stated): TOPMed below 0.00001; gnomAD 0.00001; gnomAD exomes 0.00001; ExAC 0.00002.

Submissions (2):

Labcorp Genetics (formerly Invitae), Labcorp
Classification: Pathogenic. Last evaluated: 2025-09-08. Review status: criteria provided, single submitter. Criteria: Invitae Variant Classification Sherloc (09022015). Collection method: clinical testing. Allele origin: germline.
Comment: This sequence change creates a premature translational stop signal (p.Ile221Tyrfs*9) in the SCLT1 gene. It is expected to result in an absent or disrupted protein product. Loss-of-function variants in SCLT1 are known to be pathogenic (PMID: 28005958). This variant is present in population databases (rs764905638, gnomAD 0.01%). This variant has not been reported in the literature in individuals affected with SCLT1-related conditions. ClinVar contains an entry for this variant (Variation ID: 1358401). For these reasons, this variant has been classified as Pathogenic.

Blueprint Genetics
Classification: Likely pathogenic for SCLT1-related disorders. Last evaluated: 2022-06-08. Review status: criteria provided, single submitter. Criteria: ACMG Guidelines, 2015. Collection method: clinical testing. Allele origin: germline. Affected: yes. Observed: 3 variant alleles.

Literature cited by the submitters: PubMed 28005958 (cited by Labcorp Genetics (formerly Invitae), Labcorp).